The following is an entry in ClinVar:

ClinVar aggregate classification (germline): Uncertain significance. Review status: criteria provided, multiple submitters, no conflicts (2 of 4 stars). 2 submissions from 2 submitters: Uncertain significance (2). Last evaluated 2025-09-12.

Conditions:
Hereditary cancer-predisposing syndrome. Also called: Hereditary neoplastic syndrome; Hereditary Cancer Syndrome; Neoplastic Syndromes, Hereditary; Tumor predisposition. Identifiers: Orphanet 140162, MedGen C0027672, MeSH D009386, MONDO:0015356.

Submissions (2):

Ambry Genetics
Classification: Uncertain significance for Hereditary cancer-predisposing syndrome. Last evaluated: 2025-09-12. Review status: criteria provided, single submitter. Criteria: Ambry Variant Classification Scheme 2023. Collection method: clinical testing. Allele origin: germline.
Comment: The p.D501Y variant (also known as c.1501G>T), located in coding exon 10 of the FLCN gene, results from a G to T substitution at nucleotide position 1501. The aspartic acid at codon 501 is replaced by tyrosine, an amino acid with highly dissimilar properties. This amino acid position is conserved. In addition, the in silico prediction for this alteration is inconclusive. Based on the available evidence, the clinical significance of this variant remains unclear.

GeneDx
Classification: Uncertain significance. Last evaluated: 2023-02-07. Review status: criteria provided, single submitter. Criteria: GeneDx Variant Classification Process June 2021. Collection method: clinical testing. Allele origin: germline. Affected: yes.
Comment: Not observed at significant frequency in large population cohorts (gnomAD); In silico analysis supports that this missense variant does not alter protein structure/function; Has not been previously published as pathogenic or benign to our knowledge; This variant is associated with the following publications: (PMID: 17028174)

NM_144997.7(FLCN):c.1501G>T (p.Asp501Tyr)

Gene: FLCN (folliculin; minus strand). Cytogenetic location: 17p11.2.
Variant type: single nucleotide variant.
Coding change: c.1501G>T on transcript NM_144997.7 (MANE Select); coding-DNA position 1501, G replaced by T.
Protein change: p.Asp501Tyr; replaces aspartic acid 501 with tyrosine.
Molecular consequence: missense variant.
Genome position (GRCh38, 1-based): chr17:17,215,022, C>A on the plus strand (G>T on the coding strand, the complement: FLCN is on the minus strand). VCF-style: chr17-17215022-C-A. GRCh37 (hg19) VCF-style: chr17-17118336-C-A.
Other names: c.1555G>T, p.Asp519Tyr (NM_001353229.2); c.1501G>T, p.Asp501Tyr (NM_001353230.2, NM_001353231.2); short protein forms D501Y, D519Y.
Identifiers: ClinVar variation 2574778 (VCV002574778.2), dbSNP rs2046868027, ClinGen allele CA398530813.
Genomic context (GRCh38, chr17:17,215,022, plus strand): 5'-GCCTCACCCACACTGTTGCTTACTTCATCCACTCCTCCTTGAGGCAGACGAGGCACTGGT[C>A]CACCACATCCACAGACAGGTTCTGGTTGGTCAGAGCCGCTTCAATCTTATTCAGGATGGT-3'
Protein context (NP_659434.2, residues 491-511): TNQNLSVDVV[Asp501Tyr]QCLVCLKEEW